The following is an entry in ClinVar:

NM_001292063.2(OTOG):c.286C>G (p.Pro96Ala)

Gene: OTOG (otogelin; plus strand). Cytogenetic location: 11p15.1.
Variant type: single nucleotide variant.
Coding change: c.286C>G on transcript NM_001292063.2 (MANE Select); coding-DNA position 286, C replaced by G.
Protein change: p.Pro96Ala; replaces proline 96 with alanine.
Molecular consequence: missense variant.
Genome position (GRCh38, 1-based): chr11:17,552,069, C>G. VCF-style: chr11-17552069-C-G. GRCh37 (hg19) VCF-style: chr11-17573616-C-G.
Other names: c.322C>G, p.Pro108Ala (NM_001277269.2); short protein forms P108A, P96A.
Identifiers: ClinVar variation 1331303 (VCV001331303.7), dbSNP rs567428169, ClinGen allele CA5905328.

ClinVar aggregate classification (germline): Uncertain significance. Review status: criteria provided, multiple submitters, no conflicts (2 of 4 stars). 2 submissions from 2 submitters: Uncertain significance (2). Last evaluated 2025-07-08.

Allele frequency attached by ClinVar (database versions not stated): ExAC 0.00006; TOPMed 0.00007; gnomAD 0.00009; 1000 Genomes Project 30x 0.00016; 1000 Genomes Project 0.00040.
gnomAD v4.1: 251 of 1,550,498 alleles (0.016%); highest among the groups gnomAD compares: Non-Finnish European, 0.02%; no homozygotes.

Submissions (2):

GeneDx
Classification: Uncertain significance. Last evaluated: 2025-07-08. Review status: criteria provided, single submitter. Criteria: GeneDx Variant Classification Process June 2021. Collection method: clinical testing. Allele origin: germline. Affected: yes.
Comment: In silico analysis suggests that this missense variant does not alter protein structure/function; Has not been previously published as pathogenic or benign to our knowledge

Labcorp Genetics (formerly Invitae), Labcorp
Classification: Uncertain significance. Last evaluated: 2024-12-03. Review status: criteria provided, single submitter. Criteria: Invitae Variant Classification Sherloc (09022015). Collection method: clinical testing. Allele origin: germline.
Comment: This sequence change replaces proline, which is neutral and non-polar, with alanine, which is neutral and non-polar, at codon 108 of the OTOG protein (p.Pro108Ala). This variant is present in population databases (rs567428169, gnomAD 0.02%). This variant has not been reported in the literature in individuals affected with OTOG-related conditions. ClinVar contains an entry for this variant (Variation ID: 1331303). An algorithm developed to predict the effect of missense changes on protein structure and function (PolyPhen-2) suggests that this variant¬†is likely to be tolerated. In summary, the available evidence is currently insufficient to determine the role of this variant in disease. Therefore, it has been classified as a Variant of Uncertain Significance.